The following is an entry in ClinVar:

ClinVar aggregate classification (germline): Likely benign. Review status: criteria provided, multiple submitters, no conflicts (2 of 4 stars). 7 submissions from 7 submitters: Likely benign (7). Last evaluated 2025-10-15.

Conditions:
Hereditary cancer-predisposing syndrome. Also called: Hereditary neoplastic syndrome; Tumor predisposition; Neoplastic Syndromes, Hereditary; Hereditary Cancer Syndrome. Identifiers: Orphanet 140162, MedGen C0027672, MeSH D009386, MONDO:0015356.
Hereditary diffuse gastric adenocarcinoma (HDGC). Also called: DIFFUSE GASTRIC AND LOBULAR BREAST CANCER SYNDROME. Identifiers: Orphanet 26106, MedGen C1708349, MONDO:0007648, OMIM 137215.

Allele frequency attached by ClinVar (database versions not stated): ExAC 0.00002; gnomAD exomes 0.00002; gnomAD 0.00007 and 0.00008; TOPMed 0.00014; 1000 Genomes Project 0.00040; 1000 Genomes Project 30x 0.00047.
gnomAD v4.1: 18 of 1,613,160 alleles (0.0011%); highest among the groups gnomAD compares: Admixed American, 0.028%; no homozygotes.

Submissions (7):

Labcorp Genetics (formerly Invitae), Labcorp
Classification: Likely benign for Hereditary diffuse gastric adenocarcinoma. Last evaluated: 2025-10-15. Review status: criteria provided, single submitter. Criteria: Invitae Variant Classification Sherloc (09022015). Collection method: clinical testing. Allele origin: germline.

Center for Genomic Medicine, Rigshospitalet, Copenhagen University Hospital
Classification: Likely benign. Last evaluated: 2025-03-04. Review status: criteria provided, single submitter. Criteria: ACMG Guidelines, 2015. Collection method: clinical testing. Allele origin: germline.

Sema4
Classification: Likely benign for Hereditary cancer-predisposing syndrome. Last evaluated: 2021-05-19. Review status: criteria provided, single submitter. Criteria: Sema4 Curation Guidelines. Collection method: curation. Allele origin: germline.

Quest Diagnostics Nichols Institute San Juan Capistrano
Classification: Likely benign. Last evaluated: 2019-08-22. Review status: criteria provided, single submitter. Criteria: Quest Diagnostics criteria. Collection method: clinical testing. Allele origin: germline.

Color Diagnostics, LLC DBA Color Health
Classification: Likely benign for Hereditary cancer-predisposing syndrome. Last evaluated: 2016-10-17. Review status: criteria provided, single submitter. Criteria: ACMG Guidelines, 2015. Collection method: clinical testing. Allele origin: germline.

GeneDx
Classification: Likely benign. Last evaluated: 2016-06-09. Review status: criteria provided, single submitter. Criteria: GeneDx Variant Classification (06012015). Collection method: clinical testing. Allele origin: germline. Affected: yes.
Comment: This variant is considered likely benign or benign based on one or more of the following criteria: it is a conservative change, it occurs at a poorly conserved position in the protein, it is predicted to be benign by multiple in silico algorithms, and/or has population frequency not consistent with disease.

Ambry Genetics
Classification: Likely benign for Hereditary cancer-predisposing syndrome. Last evaluated: 2016-01-25. Review status: criteria provided, single submitter. Criteria: Ambry Variant Classification Scheme 2023. Collection method: clinical testing. Allele origin: germline.

NM_004360.5(CDH1):c.1710T>C (p.Asn570=)

Gene: CDH1 (cadherin 1; plus strand). Cytogenetic location: 16q22.1.
Variant type: single nucleotide variant.
Coding change: c.1710T>C on transcript NM_004360.5 (MANE Select); coding-DNA position 1710, T replaced by C.
Protein change: p.Asn570=; no amino-acid change (asparagine 570 retained).
Molecular consequence: synonymous variant. On other transcripts: intron variant (1).
Genome position (GRCh38, 1-based): chr16:68,819,424, T>C. VCF-style: chr16-68819424-T-C. GRCh37 (hg19) VCF-style: chr16-68853327-T-C.
Other names: c.1710T>C (LRG_301t1); c.-254-2577T>C (NM_001317186.2); c.1527T>C, p.Asn509= (NM_001317184.2); c.162T>C, p.Asn54= (NM_001317185.2).
Identifiers: ClinVar variation 377641 (VCV000377641.23), dbSNP rs202115589, ClinGen allele CA8130124.